The following is an entry in ClinVar:

NM_014679.5(CEP57):c.455A>G (p.Asn152Ser)

Gene: CEP57 (centrosomal protein 57; plus strand). Cytogenetic location: 11q21.
Variant type: single nucleotide variant.
Coding change: c.455A>G on transcript NM_014679.5 (MANE Select); coding-DNA position 455, A replaced by G.
Protein change: p.Asn152Ser; replaces asparagine 152 with serine.
Molecular consequence: missense variant.
Genome position (GRCh38, 1-based): chr11:95,813,540, A>G. VCF-style: chr11-95813540-A-G. GRCh37 (hg19) VCF-style: chr11-95546704-A-G.
Other names: c.428A>G, p.Asn143Ser (NM_001243776.2); c.455A>G, p.Asn152Ser (NM_001243777.2, NM_001440871.1, NM_001440872.1 and 4 more transcripts); c.374A>G, p.Asn125Ser (NM_001363604.2, NM_001440869.1, NM_001440870.1 and 3 more transcripts); c.275A>G, p.Asn92Ser (NM_001440873.1, NM_001440881.1); c.194A>G, p.Asn65Ser (NM_001440880.1); short protein forms N125S, N143S, N152S, N65S, N92S.
Identifiers: ClinVar variation 4868775 (VCV004868775.1).

ClinVar aggregate classification (germline): Uncertain significance (1 of 4 stars; one submission).

Conditions:
Inborn genetic diseases. Identifiers: MedGen C0950123, MeSH D030342.

gnomAD v4.1: 1 of 1,613,322 alleles (0.000062%); highest among the groups gnomAD compares: Non-Finnish European, 0.000085%; no homozygotes.

Submission:

Ambry Genetics
Classification: Uncertain significance for Inborn genetic diseases. Last evaluated: 2026-05-21. Review status: criteria provided, single submitter. Criteria: Ambry Variant Classification Scheme 2023. Collection method: clinical testing. Allele origin: germline.
Comment: The p.N152S variant (also known as c.455A>G), located in coding exon 4 of the CEP57 gene, results from an A to G substitution at nucleotide position 455. The asparagine at codon 152 is replaced by serine, an amino acid with highly similar properties. This amino acid position is conserved. In addition, this alteration is predicted to be tolerated by in silico analysis. Based on the available evidence, the clinical significance of this variant remains unclear.